The following is an entry in ClinVar:

ClinVar aggregate classification (germline): Conflicting classifications of pathogenicity. Review status: criteria provided, conflicting classifications (1 of 4 stars). 3 submissions from 3 submitters: Uncertain significance (2); Likely benign (1). Last evaluated 2025-07-27.

Conditions:
Hypertrophic cardiomyopathy 14. Identifiers: MedGen C2750467, MONDO:0013197, OMIM 613251.

Allele frequency attached by ClinVar (database versions not stated): ExAC 0.00001; gnomAD exomes 0.00001; TOPMed 0.00002.
gnomAD v4.1: 3 of 1,614,114 alleles (0.00019%); highest among the groups gnomAD compares: African/African-American, 0.004%; no homozygotes.

Submissions (3):

Labcorp Genetics (formerly Invitae), Labcorp
Classification: Uncertain significance for Hypertrophic cardiomyopathy 14. Last evaluated: 2025-07-27. Review status: criteria provided, single submitter. Criteria: Invitae Variant Classification Sherloc (09022015). Collection method: clinical testing. Allele origin: germline.
Comment: This sequence change replaces glycine, which is neutral and non-polar, with arginine, which is basic and polar, at codon 1930 of the MYH6 protein (p.Gly1930Arg). This variant is present in population databases (rs761796189, gnomAD 0.01%). This variant has not been reported in the literature in individuals affected with MYH6-related conditions. ClinVar contains an entry for this variant (Variation ID: 1327358). An algorithm developed to predict the effect of missense changes on protein structure and function (PolyPhen-2) suggests that this variant is likely to be disruptive. In summary, the available evidence is currently insufficient to determine the role of this variant in disease. Therefore, it has been classified as a Variant of Uncertain Significance.

GeneDx
Classification: Uncertain significance. Last evaluated: 2024-04-25. Review status: criteria provided, single submitter. Criteria: GeneDx Variant Classification Process June 2021. Collection method: clinical testing. Allele origin: germline. Affected: yes.
Comment: Has not been previously published as pathogenic or benign to our knowledge; Not observed at significant frequency in large population cohorts (gnomAD); In silico analysis supports that this missense variant has a deleterious effect on protein structure/function

Blueprint Genetics
Classification: Likely benign. Last evaluated: 2017-06-28. Review status: criteria provided, single submitter. Criteria: ACMG Guidelines, 2015. Collection method: clinical testing. Allele origin: germline.

NM_002471.4(MYH6):c.5788G>C (p.Gly1930Arg)

Gene: MYH6 (myosin heavy chain 6; minus strand). Cytogenetic location: 14q11.2.
Variant type: single nucleotide variant.
Coding change: c.5788G>C on transcript NM_002471.4 (MANE Select); coding-DNA position 5788, G replaced by C.
Protein change: p.Gly1930Arg; replaces glycine 1930 with arginine.
Molecular consequence: missense variant.
Genome position (GRCh38, 1-based): chr14:23,382,436, C>G on the plus strand (G>C on the coding strand, the complement: MYH6 is on the minus strand). VCF-style: chr14-23382436-C-G. GRCh37 (hg19) VCF-style: chr14-23851645-C-G.
Other names: short protein forms G1930R.
Identifiers: ClinVar variation 1327358 (VCV001327358.6), dbSNP rs761796189, ClinGen allele CA7114285.